The following is an entry in ClinVar:

ClinVar aggregate classification (germline): Likely benign (1 of 4 stars; one submission).

Conditions:
Familial intrahepatic cholestasis. Identifiers: Orphanet 284385, MedGen CN296401, MONDO:0017290.
Low phospholipid associated cholelithiasis (GBD1). Also called: Gallbladder disease 1; Gallstone cholecystitis. Identifiers: Orphanet 69663, MedGen C2609268, MONDO:0010939, OMIM 600803.

gnomAD v4.1: 24 of 1,604,204 alleles (0.0015%); no homozygotes.

Submission:

Genomenon, Inc
Classification: Likely benign for Familial intrahepatic cholestasis; Low phospholipid associated cholelithiasis. Last evaluated: 2026-04-14. Review status: criteria provided, single submitter. Criteria: Genomenon Sequence Variant Interpretation Standards - Updated. Collection method: curation. Allele origin: germline. Affected: no.
Comment: ABCB4 c.2691A>C is a synonymous variant that retains Threonine at residue 897. This variant has been reported in the published literature (PMID:30079523). It is absent or not present at a significant frequency in gnomAD. This synonymous variant is not predicted to impact splicing. In conclusion, we classify ABCB4 p.Thr897= (c.2691A>C) as a likely benign variant.

Literature cited by the submitters: PubMed 30079523.

NM_000443.4(ABCB4):c.2691A>C (p.Thr897=)

Gene: ABCB4 (ATP binding cassette subfamily B member 4; minus strand). Cytogenetic location: 7q21.12.
Variant type: single nucleotide variant.
Coding change: c.2691A>C on transcript NM_000443.4 (MANE Select); coding-DNA position 2691, A replaced by C.
Protein change: p.Thr897=; no amino-acid change (threonine 897 retained).
Molecular consequence: synonymous variant.
Genome position (GRCh38, 1-based): chr7:87,413,709, T>G on the plus strand (A>C on the coding strand, the complement: ABCB4 is on the minus strand). VCF-style: chr7-87413709-T-G. GRCh37 (hg19) VCF-style: chr7-87043025-T-G.
Other names: c.2691A>C, p.Thr897= (NM_018849.3, NM_018850.3).
Identifiers: ClinVar variation 4846647 (VCV004846647.1).